The following is an entry in ClinVar:

NM_001375524.1(TRRAP):c.3368G>C (p.Ser1123Thr)

Gene: TRRAP (transformation/transcription domain associated protein; plus strand). Cytogenetic location: 7q22.1.
Variant type: single nucleotide variant.
Coding change: c.3368G>C on transcript NM_001375524.1 (MANE Select); coding-DNA position 3368, G replaced by C.
Protein change: p.Ser1123Thr; replaces serine 1123 with threonine.
Molecular consequence: missense variant.
Genome position (GRCh38, 1-based): chr7:98,930,181, G>C. VCF-style: chr7-98930181-G-C. GRCh37 (hg19) VCF-style: chr7-98527804-G-C.
Other names: c.3368G>C, p.Ser1123Thr (NM_001244580.2, NM_003496.4); short protein forms S1123T.
Identifiers: ClinVar variation 3360485 (VCV003360485.1).

ClinVar aggregate classification (germline): Uncertain significance (1 of 4 stars; one submission).

Submission:

GeneDx
Classification: Uncertain significance. Last evaluated: 2023-06-26. Review status: criteria provided, single submitter. Criteria: GeneDx Variant Classification Process June 2021. Collection method: clinical testing. Allele origin: germline. Affected: yes.
Comment: Not observed at significant frequency in large population cohorts (gnomAD); In silico analysis supports that this missense variant does not alter protein structure/function; Has not been previously published as pathogenic or benign to our knowledge